The following is an entry in ClinVar:

ClinVar aggregate classification (germline): Uncertain significance. Review status: criteria provided, multiple submitters, no conflicts (2 of 4 stars). 3 submissions from 3 submitters: Uncertain significance (3). Last evaluated 2025-06-02.

Conditions:
UDPglucose-4-epimerase deficiency. Also called: UDPglucose 4-Epimerase Deficiency Disease; Epimerase Deficiency Galactosemia; GALACTOSEMIA III; GALE DEFICIENCY; UDP-GALACTOSE-4-EPIMERASE DEFICIENCY; Galactose epimerase deficiency. Identifiers: Orphanet 352, Orphanet 79238, MedGen C0751161, MONDO:0009257, OMIM 230350.

Allele frequency attached by ClinVar (database versions not stated): TOPMed 0.00001; gnomAD exomes 0.00001.
gnomAD v4.1: 3 of 1,614,202 alleles (0.00019%); highest among the groups gnomAD compares: Admixed American, 0.005%; no homozygotes.

Submissions (3):

GeneDx
Classification: Uncertain significance. Last evaluated: 2025-06-02. Review status: criteria provided, single submitter. Criteria: GeneDx Variant Classification Process June 2021. Collection method: clinical testing. Allele origin: germline. Affected: yes.
Comment: In silico analysis supports that this missense variant has a deleterious effect on protein structure/function; Has not been previously published as pathogenic or benign to our knowledge

Labcorp Genetics (formerly Invitae), Labcorp
Classification: Uncertain significance for UDPglucose-4-epimerase deficiency. Last evaluated: 2021-09-01. Review status: criteria provided, single submitter. Criteria: Invitae Variant Classification Sherloc (09022015). Collection method: clinical testing. Allele origin: germline.
Comment: This sequence change replaces alanine with valine at codon 133 of the GALE protein (p.Ala133Val). The alanine residue is highly conserved and there is a small physicochemical difference between alanine and valine. This variant is not present in population databases (ExAC no frequency). This variant has not been reported in the literature in individuals affected with GALE-related conditions. ClinVar contains an entry for this variant (Variation ID: 167125). Algorithms developed to predict the effect of missense changes on protein structure and function are either unavailable or do not agree on the potential impact of this missense change (SIFT: "Deleterious"; PolyPhen-2: "Probably Damaging"; Align-GVGD: "Class C0"). In summary, the available evidence is currently insufficient to determine the role of this variant in disease. Therefore, it has been classified as a Variant of Uncertain Significance.

Eurofins Ntd Llc (ga)
Classification: Uncertain significance. Last evaluated: 2015-06-05. Review status: criteria provided, single submitter. Criteria: EGL Classification Definitions 2015. Collection method: clinical testing. Allele origin: germline. Observed: 3 variant alleles, 3 heterozygotes.

NM_001008216.2(GALE):c.398C>T (p.Ala133Val)

Gene: GALE (UDP-galactose-4-epimerase; minus strand). Cytogenetic location: 1p36.11.
Variant type: single nucleotide variant.
Coding change: c.398C>T on transcript NM_001008216.2 (MANE Select); coding-DNA position 398, C replaced by T.
Protein change: p.Ala133Val; replaces alanine 133 with valine.
Molecular consequence: missense variant.
Genome position (GRCh38, 1-based): chr1:23,797,825, G>A on the plus strand (C>T on the coding strand, the complement: GALE is on the minus strand). VCF-style: chr1-23797825-G-A. GRCh37 (hg19) VCF-style: chr1-24124315-G-A.
Other names: c.398C>T (NM_000403.3); c.398C>T, p.Ala133Val (NM_000403.4, NM_001127621.2); short protein forms A133V.
Identifiers: ClinVar variation 167125 (VCV000167125.12), dbSNP rs727503944, ClinGen allele CA234070.